The following is an entry in ClinVar:

ClinVar aggregate classification (germline): Uncertain significance. Review status: criteria provided, multiple submitters, no conflicts (2 of 4 stars). 3 submissions from 3 submitters: Uncertain significance (3). Last evaluated 2023-07-13.

Conditions:
Dilated cardiomyopathy 1HH (CMD1HH). Identifiers: Orphanet 154, MedGen C3151293, MONDO:0013479, OMIM 613881.
Myofibrillar myopathy 6. Identifiers: Orphanet 199340, MedGen C2751831, MONDO:0013061, OMIM 612954.
BAG3-related disorder. Also called: BAG3-related condition.

Submissions (3):

PreventionGenetics, part of Exact Sciences
Classification: Uncertain significance for BAG3-related condition. Last evaluated: 2023-07-13. Review status: criteria provided, single submitter. Criteria: ACMG Guidelines, 2015. Collection method: clinical testing. Allele origin: germline.
Comment: The BAG3 c.1169T>G variant is predicted to result in the amino acid substitution p.Val390Gly. To our knowledge, this variant has not been reported in the literature or in a large population database, indicating this variant is rare. At this time, the clinical significance of this variant is uncertain due to the absence of conclusive functional and genetic evidence.

GeneDx
Classification: Uncertain significance. Last evaluated: 2023-02-01. Review status: criteria provided, single submitter. Criteria: GeneDx Variant Classification Process June 2021. Collection method: clinical testing. Allele origin: germline. Affected: yes.
Comment: Not observed at significant frequency in large population cohorts (gnomAD); In silico analysis supports that this missense variant does not alter protein structure/function; Has not been previously published as pathogenic or benign to our knowledge; This variant is associated with the following publications: (PMID: 20001957)

Labcorp Genetics (formerly Invitae), Labcorp
Classification: Uncertain significance for Dilated cardiomyopathy 1HH; Myofibrillar myopathy 6. Last evaluated: 2022-11-09. Review status: criteria provided, single submitter. Criteria: Invitae Variant Classification Sherloc (09022015). Collection method: clinical testing. Allele origin: germline.
Comment: This variant has not been reported in the literature in individuals affected with BAG3-related conditions. This variant is not present in population databases (gnomAD no frequency). This sequence change replaces valine, which is neutral and non-polar, with glycine, which is neutral and non-polar, at codon 390 of the BAG3 protein (p.Val390Gly). Advanced modeling of protein sequence and biophysical properties (such as structural, functional, and spatial information, amino acid conservation, physicochemical variation, residue mobility, and thermodynamic stability) performed at Invitae indicates that this missense variant is not expected to disrupt BAG3 protein function. In summary, the available evidence is currently insufficient to determine the role of this variant in disease. Therefore, it has been classified as a Variant of Uncertain Significance.

NM_004281.4(BAG3):c.1169T>G (p.Val390Gly)

Gene: BAG3 (BAG cochaperone 3; plus strand). Cytogenetic location: 10q26.11.
Variant type: single nucleotide variant.
Coding change: c.1169T>G on transcript NM_004281.4 (MANE Select); coding-DNA position 1169, T replaced by G.
Protein change: p.Val390Gly; replaces valine 390 with glycine.
Molecular consequence: missense variant.
Genome position (GRCh38, 1-based): chr10:119,676,723, T>G. VCF-style: chr10-119676723-T-G. GRCh37 (hg19) VCF-style: chr10-121436235-T-G.
Other names: short protein forms V390G.
Identifiers: ClinVar variation 2575034 (VCV002575034.5), dbSNP rs1421913723, ClinGen allele CA378296763.
Genomic context (GRCh38, chr10:119,676,723, plus strand): 5'-CAGTTCCTTGTCCTCCTCCCAGCCCTGGCCCTTCTGCTGTCCCCTCTTCCCCCAAGAGTG[T>G]GGCTACAGAAGAGAGGGCAGCCCCCAGCACTGCCCCTGCAGAAGCTACACCTCCAAAACC-3'
Protein context (NP_004272.2, residues 380-400): PSAVPSSPKS[Val390Gly]ATEERAAPST